The following is an entry in ClinVar:

NM_173598.6(KSR2):c.701G>T (p.Gly234Val)

Gene: KSR2 (kinase suppressor of ras 2; minus strand). Cytogenetic location: 12q24.23.
Variant type: single nucleotide variant.
Coding change: c.701G>T on transcript NM_173598.6 (MANE Select); coding-DNA position 701, G replaced by T.
Protein change: p.Gly234Val; replaces glycine 234 with valine.
Molecular consequence: missense variant.
Genome position (GRCh38, 1-based): chr12:117,761,296, C>A on the plus strand (G>T on the coding strand, the complement: KSR2 is on the minus strand). VCF-style: chr12-117761296-C-A. GRCh37 (hg19) VCF-style: chr12-118199101-C-A.
Other names: short protein forms G234V.
Identifiers: ClinVar variation 5002071 (VCV005002071.1).

ClinVar aggregate classification (germline): Uncertain significance (1 of 4 stars; one submission).

Conditions:
KSR2-related disorder. Also called: KSR2-related condition.

Submission:

PreventionGenetics, part of Exact Sciences
Classification: Uncertain significance for KSR2-related condition. Last evaluated: 2024-10-26. Review status: criteria provided, single submitter. Criteria: ACMG Guidelines, 2015. Collection method: clinical testing. Allele origin: germline.
Comment: The KSR2 c.614G>T variant is predicted to result in the amino acid substitution p.Gly205Val. To our knowledge, this variant has not been reported in the literature or in a large population database (gnomAD), indicating this variant is rare. At this time, the clinical significance of this variant is uncertain due to the absence of conclusive functional and genetic evidence.